The following is an entry in ClinVar:

ClinVar aggregate classification (germline): Uncertain significance. Review status: criteria provided, multiple submitters, no conflicts (2 of 4 stars). 2 submissions from 2 submitters: Uncertain significance (2). Last evaluated 2025-11-10.

Conditions:
Charcot-Marie-Tooth disease axonal type 2O. Also called: CHARCOT-MARIE-TOOTH NEUROPATHY, AXONAL, TYPE 2O; CHARCOT-MARIE-TOOTH DISEASE, AXONAL, AUTOSOMAL DOMINANT, TYPE 2O; Charcot-Marie-Tooth Neuropathy Type 2O; Charcot-Marie-Tooth disease, axonal, type 20. Identifiers: Orphanet 284232, MedGen C3280220, MONDO:0013644, OMIM 614228.

Allele frequency attached by ClinVar (database versions not stated): gnomAD exomes below 0.00001.
gnomAD v4.1: 7 of 1,614,226 alleles (0.00043%); highest among the groups gnomAD compares: Non-Finnish European, 0.00059%; no homozygotes.

Submissions (2):

Labcorp Genetics (formerly Invitae), Labcorp
Classification: Uncertain significance for Charcot-Marie-Tooth disease axonal type 2O. Last evaluated: 2025-11-10. Review status: criteria provided, single submitter. Criteria: Invitae Variant Classification Sherloc (09022015). Collection method: clinical testing. Allele origin: germline.
Comment: This sequence change replaces valine, which is neutral and non-polar, with phenylalanine, which is neutral and non-polar, at codon 1426 of the DYNC1H1 protein (p.Val1426Phe). This variant is not present in population databases (gnomAD no frequency). This variant has not been reported in the literature in individuals affected with DYNC1H1-related conditions. ClinVar contains an entry for this variant (Variation ID: 2418990). Invitae Evidence Modeling of protein sequence and biophysical properties (such as structural, functional, and spatial information, amino acid conservation, physicochemical variation, residue mobility, and thermodynamic stability) indicates that this missense variant is not expected to disrupt DYNC1H1 protein function with a negative predictive value of 95%. In summary, the available evidence is currently insufficient to determine the role of this variant in disease. Therefore, it has been classified as a Variant of Uncertain Significance.

CeGaT Center for Human Genetics Tuebingen
Classification: Uncertain significance. Last evaluated: 2023-12-01. Review status: criteria provided, single submitter. Criteria: CeGaT Center For Human Genetics Tuebingen Variant Classification Criteria Version 2. Collection method: clinical testing. Allele origin: germline. Affected: yes. Observed: 2 variant alleles.
Comment: DYNC1H1: PM2, PP2

NM_001376.5(DYNC1H1):c.4276G>T (p.Val1426Phe)

Gene: DYNC1H1 (dynein cytoplasmic 1 heavy chain 1; plus strand). Cytogenetic location: 14q32.31.
Variant type: single nucleotide variant.
Coding change: c.4276G>T on transcript NM_001376.5 (MANE Select); coding-DNA position 4276, G replaced by T.
Protein change: p.Val1426Phe; replaces valine 1426 with phenylalanine.
Molecular consequence: missense variant.
Genome position (GRCh38, 1-based): chr14:102,001,235, G>T. VCF-style: chr14-102001235-G-T. GRCh37 (hg19) VCF-style: chr14-102467572-G-T.
Other names: short protein forms V1426F.
Identifiers: ClinVar variation 2418990 (VCV002418990.30), dbSNP rs2503730191, ClinGen allele CA391040449.